The following is an entry in ClinVar:

ClinVar aggregate classification (germline): Uncertain significance (1 of 4 stars; one submission).

Conditions:
Cardiovascular phenotype. Identifiers: MedGen CN230736.

Submission:

Ambry Genetics
Classification: Uncertain significance for Cardiovascular phenotype. Last evaluated: 2026-03-09. Review status: criteria provided, single submitter. Criteria: Ambry Variant Classification Scheme 2023. Collection method: clinical testing. Allele origin: germline.
Comment: The p.G225E variant (also known as c.674G>A), located in coding exon 9 of the TXNRD2 gene, results from a G to A substitution at nucleotide position 674. The glycine at codon 225 is replaced by glutamic acid, an amino acid with similar properties. This amino acid position is conserved. In addition, this alteration is predicted to be deleterious by in silico analysis. Based on the available evidence, the clinical significance of this variant remains unclear.

NM_006440.5(TXNRD2):c.674G>A (p.Gly225Glu)

Gene: TXNRD2 (thioredoxin reductase 2; minus strand). Cytogenetic location: 22q11.21.
Variant type: single nucleotide variant.
Coding change: c.674G>A on transcript NM_006440.5 (MANE Select); coding-DNA position 674, G replaced by A.
Protein change: p.Gly225Glu; replaces glycine 225 with glutamic acid.
Molecular consequence: missense variant. On other transcripts: non-coding transcript variant (1).
Genome position (GRCh38, 1-based): chr22:19,899,057, C>T on the plus strand (G>A on the coding strand, the complement: TXNRD2 is on the minus strand). VCF-style: chr22-19899057-C-T. GRCh37 (hg19) VCF-style: chr22-19886580-C-T.
Other names: c.674G>A, p.Gly225Glu (NM_001282512.3); c.671G>A, p.Gly224Glu (NM_001352300.2); c.584G>A, p.Gly195Glu (NM_001352301.2); c.386G>A, p.Gly129Glu (NM_001352302.2); c.578G>A, p.Gly193Glu (NM_001352303.2); short protein forms G129E, G224E, G225E, G193E, G195E.
Identifiers: ClinVar variation 4826343 (VCV004826343.1).